The following is an entry in ClinVar:

ClinVar aggregate classification (germline): Uncertain significance (1 of 4 stars; one submission).

gnomAD v4.1: 2 of 1,614,130 alleles (0.00012%); highest among the groups gnomAD compares: Admixed American, 0.0033%; no homozygotes.

Submission:

Labcorp Genetics (formerly Invitae), Labcorp
Classification: Uncertain significance. Last evaluated: 2023-04-09. Review status: criteria provided, single submitter. Criteria: Invitae Variant Classification Sherloc (09022015). Collection method: clinical testing. Allele origin: germline.
Comment: In summary, the available evidence is currently insufficient to determine the role of this variant in disease. Therefore, it has been classified as a Variant of Uncertain Significance. Algorithms developed to predict the effect of missense changes on protein structure and function output the following: SIFT: "Not Available"; PolyPhen-2: "Benign"; Align-GVGD: "Not Available". The valine amino acid residue is found in multiple mammalian species, which suggests that this missense change does not adversely affect protein function. ClinVar contains an entry for this variant (Variation ID: 2108376). This variant has not been reported in the literature in individuals affected with ADGRE2-related conditions. This variant is present in population databases (no rsID available, gnomAD 0.006%). This sequence change replaces glycine, which is neutral and non-polar, with valine, which is neutral and non-polar, at codon 295 of the ADGRE2 protein (p.Gly295Val).

NM_013447.4(ADGRE2):c.884G>T (p.Gly295Val)

Gene: ADGRE2 (adhesion G protein-coupled receptor E2; minus strand). Cytogenetic location: 19p13.12.
Variant type: single nucleotide variant.
Coding change: c.884G>T on transcript NM_013447.4 (MANE Select); coding-DNA position 884, G replaced by T.
Protein change: p.Gly295Val; replaces glycine 295 with valine.
Molecular consequence: missense variant.
Genome position (GRCh38, 1-based): chr19:14,765,342, C>A on the plus strand (G>T on the coding strand, the complement: ADGRE2 is on the minus strand). VCF-style: chr19-14765342-C-A. GRCh37 (hg19) VCF-style: chr19-14876154-C-A.
Other names: c.884G>T, p.Gly295Val (NM_001271052.1); c.737G>T, p.Gly246Val (NM_152916.2); c.605G>T, p.Gly202Val (NM_152917.2); short protein forms G202V, G246V, G295V.
Identifiers: ClinVar variation 2108376 (VCV002108376.4), dbSNP rs953292009, ClinGen allele CA404459422.